The following is an entry in ClinVar:

NM_001018115.3(FANCD2):c.1605T>A (p.Val535=)

Genes: FANCD2 (FA complementation group D2; plus strand), LOC107303338 (3p25 FANCD2 Alu-mediated recombination region; plus strand). Cytogenetic location: 3p25.3.
Variant type: single nucleotide variant.
Coding change: c.1605T>A on transcript NM_001018115.3 (MANE Select); coding-DNA position 1605, T replaced by A.
Protein change: p.Val535=; no amino-acid change (valine 535 retained).
Molecular consequence: synonymous variant. On other transcripts: intron variant (1).
Genome position (GRCh38, 1-based): chr3:10,052,446, T>A. VCF-style: chr3-10052446-T-A. GRCh37 (hg19) VCF-style: chr3-10094130-T-A.
Other names: c.1605T>A, p.Val535= (NM_001319984.2, NM_001374254.1, NM_033084.6); c.1545+2941T>A (NM_001374253.1); c.1605T>A (NM_001018115.2).
Identifiers: ClinVar variation 4753243 (VCV004753243.2).

ClinVar aggregate classification (germline): Likely benign. Review status: criteria provided, multiple submitters, no conflicts (2 of 4 stars). 2 submissions from 2 submitters: Likely benign (2). Last evaluated 2025-05-19.

Conditions:
FANCD2-related disorder. Also called: FANCD2-related condition.
Fanconi anemia (FA). Also called: Fanconi's anemia. Identifiers: Orphanet 84, MedGen C0015625, MeSH D005199, MONDO:0019391.

Submissions (2):

Labcorp Genetics (formerly Invitae), Labcorp
Classification: Likely benign for Fanconi anemia. Last evaluated: 2025-05-19. Review status: criteria provided, single submitter. Criteria: Invitae Variant Classification Sherloc (09022015). Collection method: clinical testing. Allele origin: germline.

PreventionGenetics, part of Exact Sciences
Classification: Likely benign for FANCD2-related condition. Last evaluated: 2025-04-29. Review status: criteria provided, single submitter. Criteria: ACMG Guidelines, 2015. Collection method: clinical testing. Allele origin: germline.
Comment: This variant is classified as likely benign based on ACMG/AMP sequence variant interpretation guidelines (Richards et al. 2015 PMID: 25741868, with internal and published modifications).